The following is an entry in ClinVar:

NM_020821.3(VPS13C):c.826-2A>G

Gene: VPS13C (vacuolar protein sorting 13 homolog C; minus strand). Cytogenetic location: 15q22.2.
Variant type: single nucleotide variant.
Coding change: c.826-2A>G on transcript NM_020821.3 (MANE Select); the canonical splice acceptor site of the intron before coding-DNA position 826, A replaced by G.
Molecular consequence: splice acceptor variant.
Genome position (GRCh38, 1-based): chr15:62,012,166, T>C on the plus strand (A>G on the coding strand, the complement: VPS13C is on the minus strand). VCF-style: chr15-62012166-T-C. GRCh37 (hg19) VCF-style: chr15-62304365-T-C.
Other names: c.826-2A>G (NM_020821.2, NM_001018088.3); c.697-2A>G (NM_017684.5, NM_018080.4).
Identifiers: ClinVar variation 1303960 (VCV001303960.34), dbSNP rs769205655, ClinGen allele CA7597332.

ClinVar aggregate classification (germline): Conflicting classifications of pathogenicity. Review status: criteria provided, conflicting classifications (1 of 4 stars). 3 submissions from 3 submitters: Likely pathogenic (1); Uncertain significance (2). Last evaluated 2025-04-16.

Conditions:
VPS13C-related disorder. Also called: VPS13C-related condition.

Allele frequency attached by ClinVar (database versions not stated): gnomAD 0.00002.
gnomAD v4.1: 86 of 1,536,920 alleles (0.0056%); highest among the groups gnomAD compares: Non-Finnish European, 0.0072%; no homozygotes.

Submissions (3):

PreventionGenetics, part of Exact Sciences
Classification: Likely pathogenic for VPS13C-related condition. Last evaluated: 2025-04-16. Review status: criteria provided, single submitter. Criteria: ACMG Guidelines, 2015. Collection method: clinical testing. Allele origin: germline.
Comment: The VPS13C c.826-2A>G variant is predicted to disrupt the AG splice acceptor site and interfere with normal splicing. To our knowledge, this variant has not been reported in the literature. This variant is reported in 0.0079% of alleles in individuals of European (Non-Finnish) descent in gnomAD. Variants that disrupt the consensus splice acceptor site in VPS13C are expected to be pathogenic. This variant is interpreted as likely pathogenic.

CeGaT Center for Human Genetics Tuebingen
Classification: Uncertain significance. Last evaluated: 2022-07-01. Review status: criteria provided, single submitter. Criteria: CeGaT Center For Human Genetics Tuebingen Variant Classification Criteria Version 2. Collection method: clinical testing. Allele origin: germline. Affected: yes. Observed: 1 variant allele.
Comment: VPS13C: PM2, PVS1:Moderate

GeneDx
Classification: Uncertain significance. Last evaluated: 2019-10-21. Review status: criteria provided, single submitter. Criteria: GeneDx Variant Classification Process June 2021. Collection method: clinical testing. Allele origin: germline. Affected: yes.
Comment: Canonical splice site variant in a gene for which loss-of-function is a known mechanism of disease; Has not been previously published as pathogenic or benign to our knowledge